The following is an entry in ClinVar:

ClinVar aggregate classification (germline): Uncertain significance. Review status: criteria provided, multiple submitters, no conflicts (2 of 4 stars). 4 submissions from 4 submitters: Uncertain significance (4). Last evaluated 2025-03-03.

Conditions:
Ataxia - intellectual disability - oculomotor apraxia - cerebellar cysts syndrome. Also called: Poretti-Boltshauser syndrome. Identifiers: Orphanet 370022, MedGen C4014821, MONDO:0014419, OMIM 615960.
Inborn genetic diseases. Identifiers: MedGen C0950123, MeSH D030342.

Allele frequency attached by ClinVar (database versions not stated): ESP Exome Variant Server 0.00015; TOPMed 0.00017; 1000 Genomes Project 30x 0.00031; 1000 Genomes Project 0.00040.
gnomAD v4.1: 73 of 1,614,116 alleles (0.0045%); highest among the groups gnomAD compares: African/African-American, 0.076%; no homozygotes.

Submissions (4):

Labcorp Genetics (formerly Invitae), Labcorp
Classification: Uncertain significance. Last evaluated: 2025-03-03. Review status: criteria provided, single submitter. Criteria: Invitae Variant Classification Sherloc (09022015). Collection method: clinical testing. Allele origin: germline.
Comment: This sequence change replaces isoleucine, which is neutral and non-polar, with threonine, which is neutral and polar, at codon 1909 of the LAMA1 protein (p.Ile1909Thr). This variant is present in population databases (rs199766289, gnomAD 0.09%). This variant has not been reported in the literature in individuals affected with LAMA1-related conditions. ClinVar contains an entry for this variant (Variation ID: 1030936). Invitae Evidence Modeling of protein sequence and biophysical properties (such as structural, functional, and spatial information, amino acid conservation, physicochemical variation, residue mobility, and thermodynamic stability) indicates that this missense variant is expected to disrupt LAMA1 protein function with a positive predictive value of 80%. In summary, the available evidence is currently insufficient to determine the role of this variant in disease. Therefore, it has been classified as a Variant of Uncertain Significance.

Blueprint Genetics
Classification: Uncertain significance. Last evaluated: 2022-09-01. Review status: criteria provided, single submitter. Criteria: ACMG Guidelines, 2015. Collection method: clinical testing. Allele origin: germline.

Ambry Genetics
Classification: Uncertain significance for Inborn genetic diseases. Last evaluated: 2021-10-06. Review status: criteria provided, single submitter. Criteria: Ambry Variant Classification Scheme 2023. Collection method: clinical testing. Allele origin: germline.

Baylor Genetics
Classification: Uncertain significance for Ataxia - intellectual disability - oculomotor apraxia - cerebellar cysts syndrome. Last evaluated: 2019-12-24. Review status: criteria provided, single submitter. Criteria: ACMG Guidelines, 2015. Collection method: clinical testing. Allele origin: unknown. Affected: yes.
Comment: This variant was determined to be of uncertain significance according to ACMG Guidelines, 2015 [PMID:25741868].

NM_005559.4(LAMA1):c.5726T>C (p.Ile1909Thr)

Gene: LAMA1 (laminin subunit alpha 1; minus strand). Cytogenetic location: 18p11.31.
Variant type: single nucleotide variant.
Coding change: c.5726T>C on transcript NM_005559.4 (MANE Select); coding-DNA position 5726, T replaced by C.
Protein change: p.Ile1909Thr; replaces isoleucine 1909 with threonine.
Molecular consequence: missense variant.
Genome position (GRCh38, 1-based): chr18:6,983,169, A>G on the plus strand (T>C on the coding strand, the complement: LAMA1 is on the minus strand). VCF-style: chr18-6983169-A-G. GRCh37 (hg19) VCF-style: chr18-6983168-A-G.
Other names: short protein forms I1909T.
Identifiers: ClinVar variation 1030936 (VCV001030936.7), dbSNP rs199766289, ClinGen allele CA8881504.
Genomic context (GRCh38, chr18:6,983,169, plus strand): 5'-TCAGTCACAGTCCTGTGAGCATCTCTGGCCAGTTCCTCCGATTCTTCAATCAGGCTCTGG[A>G]TGTTGTAATGGACATAGGCTGCACTGGTGGCATTCAGGGACACATTTCTGATGTTTTCAA-3'
Protein context (NP_005550.2, residues 1899-1919): ATSAAYVHYN[Ile1909Thr]QSLIEESEEL